The following is an entry in ClinVar:

ClinVar aggregate classification (germline): Pathogenic (0 of 4 stars; one submission).

Conditions:
Warsaw breakage syndrome (WABS). Also called: DDX11-Related Cohesinopathy. Identifiers: Orphanet 280558, MedGen C3150658, MONDO:0013252, OMIM 613398.

Submission:

Alamya Health, PBC
Classification: Pathogenic for Warsaw breakage syndrome. Last evaluated: 2025-05-01. Review status: no assertion criteria provided. Collection method: clinical testing, research. Allele origin: biparental, not applicable. Inheritance: Autosomal recessive inheritance. Affected: yes. Observed: 2 homozygotes. Clinical features observed: Sensorineural hearing loss disorder (HP:0000407), Microcephaly (HP:0000252), Intellectual disability (HP:0001249), Short stature (HP:0004322), Global developmental delay (HP:0001263). Functional consequence: absent gene product.
Comment: This 1.6kb homozygous deletion disrupts the primary promoter, 5'UTR, and and CpG island of the gene DDX11. This deletion segregates in a single generation pedigree with unaffected consanguineous parents and two affected probands presenting with sensorineural hearing loss, microcephaly, intellectual impairment, and growth restriction. DDX11 expression measured at the mRNA level by cDNA RNA-sequencing and the protein level by western blotting demonstrates a complete absence of expression. Sister chromatid cohesion using lymphoblastoid cell lines demonstrated railroad chromosome formation in both affected probands. Publication and citation pending.

NC_000012.12:g.31073186_31074821del

Genes: DDX11 (DEAD/H-box helicase 11; plus strand), DDX11-AS1 (DDX11 antisense RNA 1; minus strand). Cytogenetic location: 12p11.21.
Variant type: Deletion.
Genome position: GRCh38: chr12:31,073,186-31,074,821. GRCh37 (hg19): chr12:31,226,120-31,227,755.
Identifiers: ClinVar variation 3900635 (VCV003900635.2).